The following is an entry in ClinVar:

NM_001347721.2(DYRK1A):c.1587_1588dup (p.Gly530fs)

Gene: DYRK1A (dual specificity tyrosine phosphorylation regulated kinase 1A; plus strand). Cytogenetic location: 21q22.13.
Variant type: Duplication.
Coding change: c.1587_1588dup on transcript NM_001347721.2 (MANE Select); coding-DNA positions 1587 to 1588, 2 bases duplicated (TG; older notation c.1587_1588dupTG).
Protein change: p.Gly530fs; shifts the reading frame from glycine 530.
Molecular consequence: frameshift variant. On other transcripts: intron variant (1).
Genome position (GRCh38, 1-based): chr21:37,506,166-37,506,167, TG duplicated; duplicating any 2 consecutive bases within chr21:37,506,165-37,506,167 gives the same sequence; the c. name uses the placement nearest the transcript's 3' end. VCF-style (leftmost placement, unchanged base first): chr21-37506164-A-AGT. GRCh37 (hg19) VCF-style: chr21-38878467-A-AGT.
Other names: c.1587_1588dup, p.Gly530fs (NM_001347722.2, NM_130436.2); c.1500_1501dup, p.Gly501fs (NM_001347723.2); c.1614_1615dup, p.Gly539fs (NM_001396.5, NM_101395.2); c.1546+577_1546+578dup (NM_130438.2); short protein forms G539fs, G501fs, G530fs.
Identifiers: ClinVar variation 2018541 (VCV002018541.4), dbSNP rs2518077369, ClinGen allele CA2580098710.
Genomic context (GRCh38, chr21:37,506,164, plus strand): 5'-TCATCGGGGACAAGCAACAGTGGGAGAGCCCGGTCGGATCCGACGCACCAGCATCGGCAC[A>AGT]GTGGTGGGCACTTCACAGCTGCCGTGCAGGCCATGGACTGCGAGACACACAGTCCCCAGG-3'

ClinVar aggregate classification (germline): Pathogenic (1 of 4 stars; one submission).

Conditions:
DYRK1A-related intellectual disability syndrome (MRD7). Also called: DYRK1A Syndrome; Intellectual developmental disorder, autosomal dominant 7. Identifiers: Orphanet 464306, MedGen C5568143, MONDO:0013578, OMIM 614104.

Submission:

Labcorp Genetics (formerly Invitae), Labcorp
Classification: Pathogenic for DYRK1A-related intellectual disability syndrome. Last evaluated: 2022-07-21. Review status: criteria provided, single submitter. Criteria: Invitae Variant Classification Sherloc (09022015). Collection method: clinical testing. Allele origin: germline.
Comment: This sequence change creates a premature translational stop signal (p.Gly539Valfs*54) in the DYRK1A gene. While this is not anticipated to result in nonsense mediated decay, it is expected to disrupt the last 225 amino acid(s) of the DYRK1A protein. This variant is not present in population databases (gnomAD no frequency). This variant has not been reported in the literature in individuals affected with DYRK1A-related conditions. This variant disrupts a region of the DYRK1A protein in which other variant(s) (p.Gln576*) have been determined to be pathogenic (Invitae). This suggests that this is a clinically significant region of the protein, and that variants that disrupt it are likely to be disease-causing. For these reasons, this variant has been classified as Pathogenic.